The following is an entry in ClinVar:

ClinVar aggregate classification (germline): Likely pathogenic (3 of 4 stars; one submission).

Conditions:
Monogenic diabetes. Identifiers: Orphanet 183625, MedGen C3888631, MONDO:0015967.

Allele frequency attached by ClinVar (database versions not stated): gnomAD exomes below 0.00001.

Submission:

ClinGen Monogenic Diabetes Variant Curation Expert Panel
Classification: Likely pathogenic for Monogenic diabetes. Last evaluated: 2023-09-20. Review status: reviewed by expert panel. Criteria: ClinGen Diabetes ACMG Specifications HNF1A V2.1.0. Collection method: curation. Allele origin: germline. Inheritance: Autosomal dominant inheritance.
Comment: The c.260G>C variant in the HNF1 homeobox A gene, HNF1A, causes an amino acid change of lysine to asparagine at codon 120 (p.(Lys120Asn)) of NM_000545.8. This variant is located within a conserved region of the DNA binding domain (codons 107-174 and 201-280) of HNF1A, which is defined as critical for the protein’s function by the ClinGen MDEP (PM1_Supporting). It is also predicted to be deleterious by computational evidence, with a REVEL score of 0.8169, which is greater than the MDEP VCEP threshold of 0.70 (PP3). This variant is absent from gnomAD v2.1.1 (PM2_Supporting), and was identified in an individual with a clinical history highly specific for HNF1A-MODY (MODY probability calculator result >50%, negative genetic testing for HNF4A, and antibody negative) (PP4_Moderate; internal lab contributor). The age of the child and INS variant precluded deriving evidence in support of or against an impact of the HNF1A variant, which is generally expected to manifest at or near puberty. Finally, another missense variant, c.358A>G (p.Lys120Glu), has been classified as likely pathogenic by the ClinGen MDEP (PM5_Supporting). In summary, c.360G>C meets the criteria to be classified as likely pathogenic for monogenic diabetes. ACMG/AMP criteria applied, as specified by the ClinGen MDEP (specification version 2.1.0, approved 8/11/2023): PP4_Moderate, PP3, PM1_Supporting, PM2_Supporting, PM5_Supporting.

NM_000545.8(HNF1A):c.360G>C (p.Lys120Asn)

Gene: HNF1A (HNF1 homeobox A; plus strand). Cytogenetic location: 12q24.31.
Variant type: single nucleotide variant.
Coding change: c.360G>C on transcript NM_000545.8 (MANE Select); coding-DNA position 360, G replaced by C.
Protein change: p.Lys120Asn; replaces lysine 120 with asparagine.
Molecular consequence: missense variant.
Genome position (GRCh38, 1-based): chr12:120,988,866, G>C. VCF-style: chr12-120988866-G-C. GRCh37 (hg19) VCF-style: chr12-121426669-G-C.
Other names: NM_001306179.2:c.360G>C; c.360G>C, p.Lys120Asn (NM_001306179.2, NM_001406915.1); short protein forms K120N.
Identifiers: ClinVar variation 2581123 (VCV002581123.1), dbSNP rs2499987474, ClinGen allele CA386959080.